The following is an entry in ClinVar:

NM_004447.6(EPS8):c.2283T>G (p.Asp761Glu)

Gene: EPS8 (EGFR pathway substrate 8, signaling adaptor; minus strand). Cytogenetic location: 12p12.3.
Variant type: single nucleotide variant.
Coding change: c.2283T>G on transcript NM_004447.6 (MANE Select); coding-DNA position 2283, T replaced by G.
Protein change: p.Asp761Glu; replaces aspartic acid 761 with glutamic acid.
Molecular consequence: missense variant.
Genome position (GRCh38, 1-based): chr12:15,623,230, A>C on the plus strand (T>G on the coding strand, the complement: EPS8 is on the minus strand). VCF-style: chr12-15623230-A-C. GRCh37 (hg19) VCF-style: chr12-15776164-A-C.
Other names: short protein forms D761E.
Identifiers: ClinVar variation 499499 (VCV000499499.50), dbSNP rs7137185, ClinGen allele CA6467302.

ClinVar aggregate classification (germline): Benign/Likely benign. Review status: criteria provided, multiple submitters, no conflicts (2 of 4 stars). 8 submissions from 8 submitters: Benign (6); Likely benign (2). Last evaluated 2026-06-01.

Allele frequency attached by ClinVar (database versions not stated): 1000 Genomes Project 0.00439; 1000 Genomes Project 30x 0.00453; gnomAD exomes 0.00721; ExAC 0.00736; gnomAD 0.00746 and 0.00754; TOPMed 0.00793; ESP Exome Variant Server 0.00823.
gnomAD v4.1: 12,814 of 1,613,380 alleles (0.79%); highest among the groups gnomAD compares: Middle Eastern, 1.4%; 82 homozygotes.

Submissions (8):

CeGaT Center for Human Genetics Tuebingen
Classification: Likely benign. Last evaluated: 2026-06-01. Review status: criteria provided, single submitter. Criteria: CeGaT Center For Human Genetics Tuebingen Variant Classification Criteria Version 2. Collection method: clinical testing. Allele origin: germline. Affected: yes. Observed: 8 variant alleles.
Comment: EPS8: BS2

Labcorp Genetics (formerly Invitae), Labcorp
Classification: Benign. Last evaluated: 2026-01-26. Review status: criteria provided, single submitter. Criteria: Invitae Variant Classification Sherloc (09022015). Collection method: clinical testing. Allele origin: germline.

Genomic Medicine Center of Excellence, King Faisal Specialist Hospital and Research Centre
Classification: Likely benign. Last evaluated: 2025-08-18. Review status: criteria provided, single submitter. Criteria: ACMG Guidelines, 2015. Collection method: clinical testing. Allele origin: germline.

Mayo Clinic Laboratories, Mayo Clinic
Classification: Benign. Last evaluated: 2022-07-05. Review status: criteria provided, single submitter. Criteria: ACMG Guidelines, 2015. Collection method: clinical testing. Allele origin: germline. Observed: 4 variant alleles.
Comment: BA1, BS1, BS2

GeneDx
Classification: Benign. Last evaluated: 2018-06-04. Review status: criteria provided, single submitter. Criteria: GeneDx Variant Classification Process June 2021. Collection method: clinical testing. Allele origin: germline. Affected: yes.
Comment: This variant is associated with the following publications: (PMID: 26721930)

Laboratory for Molecular Medicine, Mass General Brigham Personalized Medicine
Classification: Benign. Last evaluated: 2017-08-23. Review status: criteria provided, single submitter. Criteria: LMM Criteria. Collection method: clinical testing. Allele origin: germline. Observed: 5 variant alleles.
Comment: p.Asp761Glu in exon 20 of EPS8: This variant is not expected to have clinical si gnificance because it has been identified in 0.98% (652/66712) of European chrom osomes by the Exome Aggregation Consortium (ExAC ; dbSNP rs7137185).

Eurofins Ntd Llc (ga)
Classification: Benign. Last evaluated: 2017-01-26. Review status: criteria provided, single submitter. Criteria: EGL Classification Definitions 2015. Collection method: clinical testing. Allele origin: germline. Observed: 2 variant alleles, 2 heterozygotes.

Breakthrough Genomics
Classification: Benign. Review status: criteria provided, single submitter. Criteria: ACMG Guidelines, 2015. Collection method: not provided. Allele origin: germline. Inheritance: Autosomal recessive inheritance. Affected: yes.